The following is an entry in ClinVar:

NM_000548.5(TSC2):c.1591A>T (p.Ile531Phe)

Gene: TSC2 (TSC complex subunit 2; plus strand). Cytogenetic location: 16p13.3.
Variant type: single nucleotide variant.
Coding change: c.1591A>T on transcript NM_000548.5 (MANE Select); coding-DNA position 1591, A replaced by T.
Protein change: p.Ile531Phe; replaces isoleucine 531 with phenylalanine.
Molecular consequence: missense variant. On other transcripts: 5 prime UTR variant (1), non-coding transcript variant (5).
Genome position (GRCh38, 1-based): chr16:2,064,419, A>T. VCF-style: chr16-2064419-A-T. GRCh37 (hg19) VCF-style: chr16-2114420-A-T.
Other names: c.1591A>T, p.Ile531Phe (NM_001077183.3, NM_001114382.3, NM_001363528.2 and 6 more transcripts); c.1480A>T, p.Ile494Phe (NM_001318827.2, NM_001406670.1, NM_001406678.1); c.1444A>T, p.Ile482Phe (NM_001318829.2, NM_001406675.1, NM_001406676.1 and 1 more transcripts); c.991A>T, p.Ile331Phe (NM_001318831.2, NM_001406680.1, NM_001406682.1 and 6 more transcripts); c.1624A>T, p.Ile542Phe (NM_001318832.2); c.1681A>T, p.Ile561Phe (NM_001406667.1, NM_001406668.1); c.1579A>T, p.Ile527Phe (NM_001406671.1, NM_001406673.1); c.1534A>T, p.Ile512Phe (NM_001406677.1); and 3 more; short protein forms I331F, I377F, I531F, I494F, I512F, I527F, I542F, I83F.
Identifiers: ClinVar variation 3462540 (VCV003462540.2).

ClinVar aggregate classification (germline): Uncertain significance. Review status: criteria provided, multiple submitters, no conflicts (2 of 4 stars). 2 submissions from 2 submitters: Uncertain significance (2). Last evaluated 2025-09-03.

Conditions:
Tuberous sclerosis 2 (TSC2). Identifiers: Orphanet 805, MedGen C1860707, MONDO:0013199, OMIM 613254.
Hereditary cancer-predisposing syndrome. Also called: Hereditary Cancer Syndrome; Hereditary neoplastic syndrome; Neoplastic Syndromes, Hereditary; Tumor predisposition. Identifiers: Orphanet 140162, MedGen C0027672, MeSH D009386, MONDO:0015356.

Submissions (2):

Labcorp Genetics (formerly Invitae), Labcorp
Classification: Uncertain significance for Tuberous sclerosis 2. Last evaluated: 2025-09-03. Review status: criteria provided, single submitter. Criteria: Invitae Variant Classification Sherloc (09022015). Collection method: clinical testing. Allele origin: germline.
Comment: This sequence change replaces isoleucine, which is neutral and non-polar, with phenylalanine, which is neutral and non-polar, at codon 531 of the TSC2 protein (p.Ile531Phe). This variant is not present in population databases (gnomAD no frequency). This variant has not been reported in the literature in individuals affected with TSC2-related conditions. ClinVar contains an entry for this variant (Variation ID: 3462540). Invitae Evidence Modeling of protein sequence and biophysical properties (such as structural, functional, and spatial information, amino acid conservation, physicochemical variation, residue mobility, and thermodynamic stability) indicates that this missense variant is not expected to disrupt TSC2 protein function with a negative predictive value of 95%. In summary, the available evidence is currently insufficient to determine the role of this variant in disease. Therefore, it has been classified as a Variant of Uncertain Significance.

Ambry Genetics
Classification: Uncertain significance for Hereditary cancer-predisposing syndrome. Last evaluated: 2024-09-30. Review status: criteria provided, single submitter. Criteria: Ambry Variant Classification Scheme 2023. Collection method: clinical testing. Allele origin: germline.
Comment: The p.I531F variant (also known as c.1591A>T), located in coding exon 14 of the TSC2 gene, results from an A to T substitution at nucleotide position 1591. The isoleucine at codon 531 is replaced by phenylalanine, an amino acid with highly similar properties. This amino acid position is conserved. In addition, the in silico prediction for this alteration is inconclusive. Based on the available evidence, the clinical significance of this variant remains unclear.